The following is an entry in ClinVar:

NM_016180.5(SLC45A2):c.1096G>A (p.Gly366Arg)

Gene: SLC45A2 (solute carrier family 45 member 2; minus strand). Cytogenetic location: 5p13.2.
Variant type: single nucleotide variant.
Coding change: c.1096G>A on transcript NM_016180.5 (MANE Select); coding-DNA position 1096, G replaced by A.
Protein change: p.Gly366Arg; replaces glycine 366 with arginine.
Molecular consequence: missense variant. On other transcripts: 3 prime UTR variant (1).
Genome position (GRCh38, 1-based): chr5:33,951,614, C>T on the plus strand (G>A on the coding strand, the complement: SLC45A2 is on the minus strand). VCF-style: chr5-33951614-C-T. GRCh37 (hg19) VCF-style: chr5-33951719-C-T.
Other names: c.1096G>A, p.Gly366Arg (NM_001012509.4); c.*38G>A (NM_001297417.4); short protein forms G366R.
Identifiers: ClinVar variation 1483044 (VCV001483044.3), dbSNP rs2111915405, ClinGen allele CA359389878.

ClinVar aggregate classification (germline): Uncertain significance (1 of 4 stars; one submission).

Submission:

Labcorp Genetics (formerly Invitae), Labcorp
Classification: Uncertain significance. Last evaluated: 2021-10-10. Review status: criteria provided, single submitter. Criteria: Invitae Variant Classification Sherloc (09022015). Collection method: clinical testing. Allele origin: germline.
Comment: This sequence change replaces glycine with arginine at codon 366 of the SLC45A2 protein (p.Gly366Arg). The glycine residue is highly conserved and there is a moderate physicochemical difference between glycine and arginine. This variant is not present in population databases (ExAC no frequency). This missense change has been observed in individual(s) with oculocutaneous albinism (PMID: 26165494). Algorithms developed to predict the effect of missense changes on protein structure and function (SIFT, PolyPhen-2, Align-GVGD) all suggest that this variant is likely to be disruptive. In summary, the available evidence is currently insufficient to determine the role of this variant in disease. Therefore, it has been classified as a Variant of Uncertain Significance.

Literature cited by the submitters: PubMed 26165494.